The following is an entry in ClinVar:

ClinVar aggregate classification (germline): Uncertain significance (1 of 4 stars; one submission).

Allele frequency attached by ClinVar (database versions not stated): gnomAD exomes 0.00001; TOPMed 0.00002; ExAC 0.00003; gnomAD 0.00003.
gnomAD v4.1: 24 of 1,552,468 alleles (0.0015%); highest among the groups gnomAD compares: Middle Eastern, 0.017%; no homozygotes.

Submission:

Labcorp Genetics (formerly Invitae), Labcorp
Classification: Uncertain significance. Last evaluated: 2022-08-19. Review status: criteria provided, single submitter. Criteria: Invitae Variant Classification Sherloc (09022015). Collection method: clinical testing. Allele origin: germline.
Comment: In summary, the available evidence is currently insufficient to determine the role of this variant in disease. Therefore, it has been classified as a Variant of Uncertain Significance. Algorithms developed to predict the effect of missense changes on protein structure and function output the following: SIFT: "Deleterious"; PolyPhen-2: "Benign"; Align-GVGD: "Class C0". The threonine amino acid residue is found in multiple mammalian species, which suggests that this missense change does not adversely affect protein function. This variant has not been reported in the literature in individuals affected with IFT81-related conditions. This variant is present in population databases (rs534726005, gnomAD 0.005%). This sequence change replaces methionine, which is neutral and non-polar, with threonine, which is neutral and polar, at codon 449 of the IFT81 protein (p.Met449Thr).

NM_014055.4(IFT81):c.1346T>C (p.Met449Thr)

Gene: IFT81 (intraflagellar transport 81; plus strand). Cytogenetic location: 12q24.11.
Variant type: single nucleotide variant.
Coding change: c.1346T>C on transcript NM_014055.4 (MANE Select); coding-DNA position 1346, T replaced by C.
Protein change: p.Met449Thr; replaces methionine 449 with threonine.
Molecular consequence: missense variant. On other transcripts: non-coding transcript variant (4).
Genome position (GRCh38, 1-based): chr12:110,190,927, T>C. VCF-style: chr12-110190927-T-C. GRCh37 (hg19) VCF-style: chr12-110628732-T-C.
Other names: c.1346T>C, p.Met449Thr (NM_001143779.2); c.416T>C, p.Met139Thr (NM_001347947.2, NM_001347948.2); short protein forms M139T, M449T.
Identifiers: ClinVar variation 2144046 (VCV002144046.2), dbSNP rs534726005, ClinGen allele CA6783352.